The following is an entry in ClinVar:

ClinVar aggregate classification (germline): Likely benign. Review status: criteria provided, multiple submitters, no conflicts (2 of 4 stars). 2 submissions from 2 submitters: Likely benign (2). Last evaluated 2025-07-03.

gnomAD v4.1: 3 of 1,600,494 alleles (0.00019%); highest among the groups gnomAD compares: African/African-American, 0.004%; no homozygotes.

Submissions (2):

Labcorp Genetics (formerly Invitae), Labcorp
Classification: Likely benign. Last evaluated: 2025-07-03. Review status: criteria provided, single submitter. Criteria: Invitae Variant Classification Sherloc (09022015). Collection method: clinical testing. Allele origin: germline.

CeGaT Center for Human Genetics Tuebingen
Classification: Likely benign. Last evaluated: 2025-06-01. Review status: criteria provided, single submitter. Criteria: CeGaT Center For Human Genetics Tuebingen Variant Classification Criteria Version 2. Collection method: clinical testing. Allele origin: germline. Affected: yes. Observed: 1 variant allele.
Comment: COL2A1: BP4, BP7

NM_001844.5(COL2A1):c.3615T>C (p.Pro1205=)

Gene: COL2A1 (collagen type II alpha 1 chain; minus strand). Cytogenetic location: 12q13.11.
Variant type: single nucleotide variant.
Coding change: c.3615T>C on transcript NM_001844.5 (MANE Select); coding-DNA position 3615, T replaced by C.
Protein change: p.Pro1205=; no amino-acid change (proline 1205 retained).
Molecular consequence: synonymous variant.
Genome position (GRCh38, 1-based): chr12:47,975,588, A>G on the plus strand (T>C on the coding strand, the complement: COL2A1 is on the minus strand). VCF-style: chr12-47975588-A-G. GRCh37 (hg19) VCF-style: chr12-48369371-A-G.
Other names: c.3408T>C, p.Pro1136= (NM_033150.3).
Identifiers: ClinVar variation 4085233 (VCV004085233.9).